The following is an entry in ClinVar:

ClinVar aggregate classification (germline): Likely pathogenic. Review status: criteria provided, multiple submitters, no conflicts (2 of 4 stars). 2 submissions from 2 submitters: Likely pathogenic (2). Last evaluated 2026-04-22.

Conditions:
Paediatric disorders.

Submissions (2):

NHS Central & South Genomic Laboratory Hub
Classification: Likely pathogenic for Paediatric disorders. Last evaluated: 2026-04-22. Review status: criteria provided, single submitter. Criteria: ACMG Guidelines, 2015. Collection method: clinical testing. Allele origin: germline. Affected: yes.

Institute for Clinical Genetics, University Hospital TU Dresden, University Hospital TU Dresden
Classification: Likely pathogenic. Last evaluated: 2022-11-04. Review status: criteria provided, single submitter. Criteria: ACMG Guidelines, 2015. Collection method: clinical testing. Allele origin: de novo.
Comment: PS2, PP3, PM2_SUP, PP2

NM_018082.6(POLR3B):c.1304G>T (p.Gly435Val)

Gene: POLR3B (RNA polymerase III subunit B; plus strand). Cytogenetic location: 12q23.3.
Variant type: single nucleotide variant.
Coding change: c.1304G>T on transcript NM_018082.6 (MANE Select); coding-DNA position 1304, G replaced by T.
Protein change: p.Gly435Val; replaces glycine 435 with valine.
Molecular consequence: missense variant.
Genome position (GRCh38, 1-based): chr12:106,430,313, G>T. VCF-style: chr12-106430313-G-T. GRCh37 (hg19) VCF-style: chr12-106824091-G-T.
Other names: c.1130G>T, p.Gly377Val (NM_001160708.2); short protein forms G377V, G435V.
Identifiers: ClinVar variation 2575975 (VCV002575975.2), dbSNP rs2542110126, ClinGen allele CA386388995.